The following is an entry in ClinVar:

NM_182760.4(SUMF1):c.205C>G (p.Arg69Gly)

Genes: SUMF1 (sulfatase modifying factor 1; minus strand), LOC129936056 (ATAC-STARR-seq lymphoblastoid silent region 14016; plus strand). Cytogenetic location: 3p26.1.
Variant type: single nucleotide variant.
Coding change: c.205C>G on transcript NM_182760.4 (MANE Select); coding-DNA position 205, C replaced by G.
Protein change: p.Arg69Gly; replaces arginine 69 with glycine.
Molecular consequence: missense variant.
Genome position (GRCh38, 1-based): chr3:4,467,041, G>C on the plus strand (C>G on the coding strand, the complement: SUMF1 is on the minus strand). VCF-style: chr3-4467041-G-C. GRCh37 (hg19) VCF-style: chr3-4508725-G-C.
Other names: c.205C>G (NM_182760.3); c.205C>G, p.Arg69Gly (NM_001164674.2, NM_001164675.2); short protein forms R69G.
Identifiers: ClinVar variation 1360822 (VCV001360822.7), dbSNP rs2124822777, ClinGen allele CA351794200.

ClinVar aggregate classification (germline): Uncertain significance. Review status: criteria provided, multiple submitters, no conflicts (2 of 4 stars). 2 submissions from 2 submitters: Uncertain significance (2). Last evaluated 2025-09-26.

Conditions:
Inborn genetic diseases. Identifiers: MedGen C0950123, MeSH D030342.
Multiple sulfatase deficiency (MSD). Also called: Mucosulfatidosis; Multiple Sulfatase Deficiency Disease; Sulfatidosis, Juvenile, Austin Type. Identifiers: Orphanet 585, MedGen C0268263, MONDO:0010088, OMIM 272200.

Allele frequency attached by ClinVar (database versions not stated): gnomAD exomes 0.00001.
gnomAD v4.1: 4 of 1,575,276 alleles (0.00025%); highest among the groups gnomAD compares: Non-Finnish European, 0.000086%; no homozygotes.

Submissions (2):

Ambry Genetics
Classification: Uncertain significance for Inborn genetic diseases. Last evaluated: 2025-09-26. Review status: criteria provided, single submitter. Criteria: Ambry Variant Classification Scheme 2023. Collection method: clinical testing. Allele origin: germline.

Labcorp Genetics (formerly Invitae), Labcorp
Classification: Uncertain significance for Multiple sulfatase deficiency. Last evaluated: 2023-10-30. Review status: criteria provided, single submitter. Criteria: Invitae Variant Classification Sherloc (09022015). Collection method: clinical testing. Allele origin: germline.
Comment: This sequence change replaces arginine, which is basic and polar, with glycine, which is neutral and non-polar, at codon 69 of the SUMF1 protein (p.Arg69Gly). This variant is not present in population databases (gnomAD no frequency). This variant has not been reported in the literature in individuals affected with SUMF1-related conditions. ClinVar contains an entry for this variant (Variation ID: 1360822). Advanced modeling of protein sequence and biophysical properties (such as structural, functional, and spatial information, amino acid conservation, physicochemical variation, residue mobility, and thermodynamic stability) has been performed at Invitae for this missense variant, however the output from this modeling did not meet the statistical confidence thresholds required to predict the impact of this variant on SUMF1 protein function. In summary, the available evidence is currently insufficient to determine the role of this variant in disease. Therefore, it has been classified as a Variant of Uncertain Significance.